The following is an entry in ClinVar:

NM_000285.4(PEPD):c.176C>T (p.Thr59Ile)

Gene: PEPD (peptidase D; minus strand). Cytogenetic location: 19q13.11.
Variant type: single nucleotide variant.
Coding change: c.176C>T on transcript NM_000285.4 (MANE Select); coding-DNA position 176, C replaced by T.
Protein change: p.Thr59Ile; replaces threonine 59 with isoleucine.
Molecular consequence: missense variant.
Genome position (GRCh38, 1-based): chr19:33,512,618, G>A on the plus strand (C>T on the coding strand, the complement: PEPD is on the minus strand). VCF-style: chr19-33512618-G-A. GRCh37 (hg19) VCF-style: chr19-34003524-G-A.
Other names: c.176C>T, p.Thr59Ile (NM_001166056.2, NM_001166057.2); short protein forms T59I.
Identifiers: ClinVar variation 1420088 (VCV001420088.5), dbSNP rs1280092673, ClinGen allele CA405232982.

ClinVar aggregate classification (germline): Uncertain significance (1 of 4 stars; one submission).

Allele frequency attached by ClinVar (database versions not stated): gnomAD exomes below 0.00001 and 0.00001; gnomAD 0.00001; TOPMed 0.00001.
gnomAD v4.1: 8 of 1,613,784 alleles (0.0005%); highest among the groups gnomAD compares: East Asian, 0.016%; no homozygotes.

Submission:

Labcorp Genetics (formerly Invitae), Labcorp
Classification: Uncertain significance. Last evaluated: 2022-07-26. Review status: criteria provided, single submitter. Criteria: Invitae Variant Classification Sherloc (09022015). Collection method: clinical testing. Allele origin: germline.
Comment: This sequence change replaces threonine, which is neutral and polar, with isoleucine, which is neutral and non-polar, at codon 59 of the PEPD protein (p.Thr59Ile). This variant is present in population databases (no rsID available, gnomAD 0.03%). This variant has not been reported in the literature in individuals affected with PEPD-related conditions. ClinVar contains an entry for this variant (Variation ID: 1420088). Algorithms developed to predict the effect of missense changes on protein structure and function are either unavailable or do not agree on the potential impact of this missense change (SIFT: "Deleterious"; PolyPhen-2: "Probably Damaging"; Align-GVGD: "Class C15"). In summary, the available evidence is currently insufficient to determine the role of this variant in disease. Therefore, it has been classified as a Variant of Uncertain Significance.